The following is an entry in ClinVar:

NM_001005242.3(PKP2):c.1648A>G (p.Ile550Val)

Gene: PKP2 (plakophilin 2; minus strand). Cytogenetic location: 12p11.21.
Variant type: single nucleotide variant.
Coding change: c.1648A>G on transcript NM_001005242.3 (MANE Select); coding-DNA position 1648, A replaced by G.
Protein change: p.Ile550Val; replaces isoleucine 550 with valine.
Molecular consequence: missense variant.
Genome position (GRCh38, 1-based): chr12:32,824,071, T>C on the plus strand (A>G on the coding strand, the complement: PKP2 is on the minus strand). VCF-style: chr12-32824071-T-C. GRCh37 (hg19) VCF-style: chr12-32977005-T-C.
Other names: c.1780A>G, p.Ile594Val (NM_004572.4); short protein forms I594V, I550V.
Identifiers: ClinVar variation 164957 (VCV000164957.5), dbSNP rs727503371, ClinGen allele CA011419.

ClinVar aggregate classification (germline): Uncertain significance (1 of 4 stars; one submission).

Allele frequency attached by ClinVar (database versions not stated): gnomAD exomes below 0.00001.
gnomAD v4.1: 2 of 1,604,034 alleles (0.00012%); highest among the groups gnomAD compares: Non-Finnish European, 0.00017%; no homozygotes.

Submission:

Laboratory for Molecular Medicine, Mass General Brigham Personalized Medicine
Classification: Uncertain significance. Last evaluated: 2013-09-18. Review status: criteria provided, single submitter. Criteria: LMM Criteria. Collection method: clinical testing. Allele origin: germline. Observed: 2 variant alleles.
Comment: The Ile594Val variant in PKP2 has not been reported in individuals with cardiomy opathy or in large population studies. Computational analyses (biochemical amino acid properties, conservation, AlignGVGD, PolyPhen2, and SIFT) do not provide s trong support for or against an impact to the protein. Additional information is needed to fully assess the clinical significance of this variant.